The following is an entry in ClinVar:

NM_000128.4(F11):c.291dup (p.Tyr98fs)

Gene: F11 (coagulation factor XI; plus strand). Cytogenetic location: 4q35.2.
Variant type: Duplication.
Coding change: c.291dup on transcript NM_000128.4 (MANE Select); coding-DNA position 291, one base duplicated (G; older notation c.291dupG).
Protein change: p.Tyr98fs; shifts the reading frame from tyrosine 98.
Molecular consequence: frameshift variant.
Genome position (GRCh38, 1-based): chr4:186,273,143, G duplicated; the last of 3 consecutive G bases (chr4:186,273,141-186,273,143); duplicating any one gives the same sequence. VCF-style (leftmost placement, unchanged base first): chr4-186273140-T-TG. GRCh37 (hg19) VCF-style: chr4-187194294-T-TG.
Other names: c.291dup, p.Tyr98fs (NM_001354804.2, NM_001440590.1, NM_001440593.1 and 5 more transcripts); short protein forms Y98fs.
Identifiers: ClinVar variation 5014212 (VCV005014212.1).
Genomic context (GRCh38, chr4:186,273,140, plus strand): 5'-TGTCCTGAAAGACAGTGTTACAGAAACACTGCCAAGAGTGAATAGGACAGCAGCGATTTC[T>TG]GGGTATTCTTTCAAGCAATGCTCACACCAAATAAGCGGTAAGATATGTTCTCAGAATCAA-3'

ClinVar aggregate classification (germline): Pathogenic (1 of 4 stars; one submission).

Conditions:
Hereditary factor XI deficiency disease. Also called: PLASMA THROMBOPLASTIN ANTECEDENT DEFICIENCY; PTA DEFICIENCY; ROSENTHAL SYNDROME; Congenital factor XI deficiency. Identifiers: Orphanet 329, MedGen C0015523, MeSH D005173, MONDO:0012897, OMIM 612416.

Submission:

Myriad Genetics, Inc.
Classification: Pathogenic for Hereditary factor XI deficiency disease. Last evaluated: 2025-03-14. Review status: criteria provided, single submitter. Criteria: Myriad Autosomal Dominant, Autosomal Recessive and X-Linked Classification Criteria (2023). Collection method: clinical testing. Allele origin: unknown.
Comment: NM_000128.3(F11):c.291dupG(Y98Vfs*29) is expected to be pathogenic in the context of factor XI deficiency. This variant is predicted to lead to an abnormal or absent protein product due to the creation of a premature termination codon in F11, a gene where loss-of-function variants are known to be pathogenic. Please note: this variant was assessed in the context of healthy population screening.